The following is an entry in ClinVar:

NM_004408.4(DNM1):c.1607G>A (p.Gly536Glu)

Gene: DNM1 (dynamin 1; plus strand). Cytogenetic location: 9q34.11.
Variant type: single nucleotide variant.
Coding change: c.1607G>A on transcript NM_004408.4 (MANE Select); coding-DNA position 1607, G replaced by A.
Protein change: p.Gly536Glu; replaces glycine 536 with glutamic acid.
Molecular consequence: missense variant.
Genome position (GRCh38, 1-based): chr9:128,242,281, G>A. VCF-style: chr9-128242281-G-A. GRCh37 (hg19) VCF-style: chr9-131004560-G-A.
Other names: c.1607G>A, p.Gly536Glu (NM_001005336.3, NM_001288737.2, NM_001288738.2 and 1 more transcripts); short protein forms G536E.
Identifiers: ClinVar variation 372818 (VCV000372818.1), dbSNP rs754404446, ClinGen allele CA16042667.
Genomic context (GRCh38, chr9:128,242,281, plus strand): 5'-TCACCCTCCAGGTCATCCGCAAGGGCTGGCTGACTATCAATAATATTGGCATCATGAAAG[G>A]GGGCTCCAAGGAGTACTGGTTTGTGCTGACTGCTGAGAATCTGTCCTGGTACAAGGATGA-3'
Protein context (NP_004399.2, residues 526-546): LTINNIGIMK[Gly536Glu]GSKEYWFVLT

ClinVar aggregate classification (germline): Likely pathogenic (1 of 4 stars; one submission).

Submission:

GeneDx
Classification: Likely pathogenic. Last evaluated: 2015-11-25. Review status: criteria provided, single submitter. Criteria: GeneDx Variant Classification (06012015). Collection method: clinical testing. Allele origin: germline. Affected: yes.
Comment: The G563E variant in the DNM1 gene has not been reported previously as a pathogenic variant, nor as a benign variant, to our knowledge. The G536E variant was not observed in approximately 6,500 individuals of European and African American ancestry in the NHLBI Exome Sequencing Project, indicating it is not a common benign variant in these populations. The G563E variant is a non-conservative amino acid substitution, which is likely to impact secondary protein structure as these residues differ in polarity, charge, size and/or other properties. This substitution occurs at a position that is conserved across species. In silico analysis is inconsistent in its predictions as to whether or not the variant is damaging to the protein structure/function. The G563E variant is a strong candidate for a pathogenic variant.